The following is an entry in ClinVar:

ClinVar aggregate classification (germline): Uncertain significance (1 of 4 stars; one submission).

Allele frequency attached by ClinVar (database versions not stated): ExAC 0.00004.

Submission:

Ambry Genetics
Classification: Uncertain significance. Last evaluated: 2025-03-28. Review status: criteria provided, single submitter. Criteria: Ambry Variant Classification Scheme 2023. Collection method: clinical testing. Allele origin: germline.
Comment: The p.K273Q variant (also known as c.817A>C), located in coding exon 6 of the RECQL gene, results from an A to C substitution at nucleotide position 817. The lysine at codon 273 is replaced by glutamine, an amino acid with similar properties. This amino acid position is conserved. In addition, this alteration is predicted to be tolerated by in silico analysis. Since supporting evidence is limited at this time, the clinical significance of this alteration remains unclear.

NM_002907.4(RECQL):c.817A>C (p.Lys273Gln)

Gene: RECQL (RecQ like helicase; minus strand). Cytogenetic location: 12p12.1.
Variant type: single nucleotide variant.
Coding change: c.817A>C on transcript NM_002907.4 (MANE Select); coding-DNA position 817, A replaced by C.
Protein change: p.Lys273Gln; replaces lysine 273 with glutamine.
Molecular consequence: missense variant.
Genome position (GRCh38, 1-based): chr12:21,477,853, T>G on the plus strand (A>C on the coding strand, the complement: RECQL is on the minus strand). VCF-style: chr12-21477853-T-G. GRCh37 (hg19) VCF-style: chr12-21630787-T-G.
Other names: c.817A>C, p.Lys273Gln (NM_032941.3); short protein forms K273Q.
Identifiers: ClinVar variation 1762301 (VCV001762301.3), dbSNP rs747438325, ClinGen allele CA6478968.
Genomic context (GRCh38, chr12:21,477,853, plus strand): 5'-AATTACATACCTCATAATATAGATTTGGCCTATTAAAAGAAGCTGTAAAAGTAAAACACT[T>G]TTCAATGCACAAAATTTTCTGAGCATCCGTCAAAACGTGATTTGTTGCAGTTGCAGTCAG-3'
Protein context (NP_002898.2, residues 263-283): TDAQKILCIE[Lys273Gln]CFTFTASFNR